The following is an entry in ClinVar:

ClinVar aggregate classification (germline): Pathogenic (1 of 4 stars; one submission).

Conditions:
Deficiency of acetyl-CoA acetyltransferase. Also called: 3-KETOTHIOLASE DEFICIENCY; 3-OXOTHIOLASE DEFICIENCY; MITOCHONDRIAL ACETOACETYL-CoA THIOLASE DEFICIENCY; Beta-ketothiolase deficiency. Identifiers: Orphanet 134, MedGen C1536500, MONDO:0008760, OMIM 203750. Disease mechanism: loss of function.

Submission:

Labcorp Genetics (formerly Invitae), Labcorp
Classification: Pathogenic for Deficiency of acetyl-CoA acetyltransferase. Last evaluated: 2023-08-11. Review status: criteria provided, single submitter. Criteria: Invitae Variant Classification Sherloc (09022015). Collection method: clinical testing. Allele origin: unknown.
Comment: This variant is a gross deletion of the genomic region encompassing exon(s) 3-4 of the ACAT1 gene. This deletion is out-of-frame, and is expected to create a premature termination codon and result in an absent or disrupted protein product. Loss-of-function variants in ACAT1 are known to be pathogenic (PMID: 7749408). A similar copy number variant has been observed in individual(s) with clinical features of beta-ketothiolase deficiency (PMID: 23920042). For these reasons, this variant has been classified as Pathogenic.

Literature cited by the submitters: PubMed 7749408; PubMed 23920042.

NC_000011.9:g.(?_108004527)_(108005063_?)del

Gene: ACAT1 (acetyl-CoA acetyltransferase 1; plus strand). Cytogenetic location: 11q22.3.
Variant type: Deletion.
Identifiers: ClinVar variation 3244603 (VCV003244603.1).